The following is an entry in ClinVar:

ClinVar aggregate classification (germline): Uncertain significance (1 of 4 stars; one submission).

Conditions:
Charcot-Marie-Tooth disease type 2R. Also called: Charcot-Marie-Tooth disease, axonal, type 2R; CHARCOT-MARIE-TOOTH NEUROPATHY, TYPE 2R; CHARCOT-MARIE-TOOTH DISEASE, AXONAL, AUTOSOMAL RECESSIVE, TYPE 2R. Identifiers: Orphanet 397968, MedGen C3809655, MONDO:0014208, OMIM 615490.

Allele frequency attached by ClinVar (database versions not stated): ExAC 0.00001; gnomAD exomes 0.00001; ESP Exome Variant Server 0.00008.
gnomAD v4.1: 5 of 1,532,782 alleles (0.00033%); highest among the groups gnomAD compares: Non-Finnish European, 0.00044%; no homozygotes.

Submission:

Labcorp Genetics (formerly Invitae), Labcorp
Classification: Uncertain significance for Charcot-Marie-Tooth disease type 2R. Last evaluated: 2024-08-21. Review status: criteria provided, single submitter. Criteria: Invitae Variant Classification Sherloc (09022015). Collection method: clinical testing. Allele origin: germline.
Comment: This sequence change replaces threonine, which is neutral and polar, with alanine, which is neutral and non-polar, at codon 460 of the TRIM2 protein (p.Thr460Ala). This variant is present in population databases (rs373135370, gnomAD 0.001%). This variant has not been reported in the literature in individuals affected with TRIM2-related conditions. ClinVar contains an entry for this variant (Variation ID: 2160047). An algorithm developed to predict the effect of missense changes on protein structure and function (PolyPhen-2) suggests that this variant is likely to be tolerated. In summary, the available evidence is currently insufficient to determine the role of this variant in disease. Therefore, it has been classified as a Variant of Uncertain Significance.

NM_015271.5(TRIM2):c.1459A>G (p.Thr487Ala)

Gene: TRIM2 (tripartite motif containing 2; plus strand). Cytogenetic location: 4q31.3.
Variant type: single nucleotide variant.
Coding change: c.1459A>G on transcript NM_015271.5 (MANE Select); coding-DNA position 1459, A replaced by G.
Protein change: p.Thr487Ala; replaces threonine 487 with alanine.
Molecular consequence: missense variant.
Genome position (GRCh38, 1-based): chr4:153,295,985, A>G. VCF-style: chr4-153295985-A-G. GRCh37 (hg19) VCF-style: chr4-154217137-A-G.
Other names: c.1378A>G, p.Thr460Ala (NM_001130067.2, NM_001351056.2, NM_001375512.1 and 5 more transcripts); c.1432A>G, p.Thr478Ala (NM_001351054.2); c.1429A>G, p.Thr477Ala (NM_001351055.2); c.1003A>G, p.Thr335Ala (NM_001351057.2); c.1552A>G, p.Thr518Ala (NM_001375488.1); c.1549A>G, p.Thr517Ala (NM_001375489.1); c.1402A>G, p.Thr468Ala (NM_001375490.1); c.1399A>G, p.Thr467Ala (NM_001375491.1); and 3 more; short protein forms T374A, T460A, T517A, T375A, T468A, T477A, T487A, T376A.
Identifiers: ClinVar variation 2160047 (VCV002160047.4), dbSNP rs373135370, ClinGen allele CA3108742.